The following is an entry in ClinVar:

NM_006420.3(ARFGEF2):c.3896A>G (p.Lys1299Arg)

Gene: ARFGEF2 (ARF guanine nucleotide exchange factor 2; plus strand). Cytogenetic location: 20q13.13.
Variant type: single nucleotide variant.
Coding change: c.3896A>G on transcript NM_006420.3 (MANE Select); coding-DNA position 3896, A replaced by G.
Protein change: p.Lys1299Arg; replaces lysine 1299 with arginine.
Molecular consequence: missense variant.
Genome position (GRCh38, 1-based): chr20:49,012,062, A>G. VCF-style: chr20-49012062-A-G. GRCh37 (hg19) VCF-style: chr20-47628599-A-G.
Other names: c.3893A>G, p.Lys1298Arg (NM_001410846.1); short protein forms K1299R, K1298R.
Identifiers: ClinVar variation 2110206 (VCV002110206.2), dbSNP rs781075417, ClinGen allele CA9899065.

ClinVar aggregate classification (germline): Uncertain significance (1 of 4 stars; one submission).

Allele frequency attached by ClinVar (database versions not stated): ExAC 0.00001.
gnomAD v4.1: 3 of 1,614,224 alleles (0.00019%); highest among the groups gnomAD compares: Admixed American, 0.005%; no homozygotes.

Submission:

Labcorp Genetics (formerly Invitae), Labcorp
Classification: Uncertain significance. Last evaluated: 2022-07-04. Review status: criteria provided, single submitter. Criteria: Invitae Variant Classification Sherloc (09022015). Collection method: clinical testing. Allele origin: germline.
Comment: In summary, the available evidence is currently insufficient to determine the role of this variant in disease. Therefore, it has been classified as a Variant of Uncertain Significance. Algorithms developed to predict the effect of missense changes on protein structure and function (SIFT, PolyPhen-2, Align-GVGD) all suggest that this variant is likely to be tolerated. This variant has not been reported in the literature in individuals affected with ARFGEF2-related conditions. This variant is present in population databases (rs781075417, gnomAD 0.009%). This sequence change replaces lysine, which is basic and polar, with arginine, which is basic and polar, at codon 1299 of the ARFGEF2 protein (p.Lys1299Arg).